The following is an entry in ClinVar:

ClinVar aggregate classification (germline): Uncertain significance (1 of 4 stars; one submission).

Submission:

Dasa
Classification: Uncertain significance. Last evaluated: 2025-08-18. Review status: criteria provided, single submitter. Criteria: DASA Assertion Criteria. Collection method: clinical testing. Allele origin: germline.
Comment: NM_033395.2(CEP295):c.1178A>G (p.Lys393Arg) is a missense variant that results in the substitution of lysine with arginine. This variant is rare in population databases. Computational prediction algorithms are consistent with a benign effect. The currently available literature and clinical evidence are not sufficient to establish a definitive association between this variant and the reported condition. Therefore, this variant is classified as a variant of uncertain significance.

NM_033395.2(CEP295):c.1178A>G (p.Lys393Arg)

Gene: CEP295 (centrosomal protein 295; plus strand). Cytogenetic location: 11q21.
Variant type: single nucleotide variant.
Coding change: c.1178A>G on transcript NM_033395.2 (MANE Select); coding-DNA position 1178, A replaced by G.
Protein change: p.Lys393Arg; replaces lysine 393 with arginine.
Molecular consequence: missense variant.
Genome position (GRCh38, 1-based): chr11:93,687,707, A>G. VCF-style: chr11-93687707-A-G. GRCh37 (hg19) VCF-style: chr11-93420873-A-G.
Other names: short protein forms K393R.
Identifiers: ClinVar variation 5020884 (VCV005020884.1).